The following is an entry in ClinVar:

NM_173551.5(ANKS6):c.2373G>A (p.Gln791=)

Gene: ANKS6 (ankyrin repeat and sterile alpha motif domain containing 6; minus strand). Cytogenetic location: 9q22.33.
Variant type: single nucleotide variant.
Coding change: c.2373G>A on transcript NM_173551.5 (MANE Select); coding-DNA position 2373, G replaced by A.
Protein change: p.Gln791=; no amino-acid change (glutamine 791 retained).
Molecular consequence: synonymous variant.
Genome position (GRCh38, 1-based): chr9:98,751,050, C>T on the plus strand (G>A on the coding strand, the complement: ANKS6 is on the minus strand). VCF-style: chr9-98751050-C-T. GRCh37 (hg19) VCF-style: chr9-101513332-C-T.
Identifiers: ClinVar variation 3355799 (VCV003355799.1).
Genomic context (GRCh38, chr9:98,751,050, plus strand): 5'-AGTAAGATTTAAATTGACATTCAAAAAGAGCATTCTTACCTCTTGTTCCTCAAAAATGGG[C>T]TGATATTTCTCAAGTGATAATTTCTTAAGGATTCCAGTCAGTTCATCTTCAAGATGGAAA-3'
Protein context (NP_775822.3, residues 781-801): ILKKLSLEKY[Gln791=]PIFEEQEVDM

ClinVar aggregate classification (germline): Likely benign (0 of 4 stars; one submission).

Conditions:
ANKS6-related disorder. Also called: ANKS6-related condition.

gnomAD v4.1: 2 of 1,610,242 alleles (0.00012%); highest among the groups gnomAD compares: Admixed American, 0.0017%; no homozygotes.

Submission:

PreventionGenetics, part of Exact Sciences
Classification: Likely benign for ANKS6-related condition. Last evaluated: 2024-08-05. Review status: no assertion criteria provided. Collection method: clinical testing. Allele origin: germline.
Comment: This variant is classified as likely benign based on ACMG/AMP sequence variant interpretation guidelines (Richards et al. 2015 PMID: 25741868, with internal and published modifications).